The following is an entry in ClinVar:

ClinVar aggregate classification (germline): Uncertain significance. Review status: criteria provided, multiple submitters, no conflicts (2 of 4 stars). 2 submissions from 2 submitters: Uncertain significance (2). Last evaluated 2022-02-01.

Conditions:
Inborn genetic diseases. Identifiers: MedGen C0950123, MeSH D030342.
Methylmalonic acidemia with homocystinuria, type cblJ (MAHCJ). Also called: METHYLMALONIC ACIDURIA AND HOMOCYSTINURIA, cblJ TYPE. Identifiers: Orphanet 369955, MedGen C3553915, MONDO:0013925, OMIM 614857.

Allele frequency attached by ClinVar (database versions not stated): gnomAD exomes 0.00002 and 0.00003; TOPMed 0.00002; ExAC 0.00004.
gnomAD v4.1: 13 of 1,614,034 alleles (0.00081%); highest among the groups gnomAD compares: East Asian, 0.0045%; 1 homozygote.

Submissions (2):

Ambry Genetics
Classification: Uncertain significance for Inborn genetic diseases. Last evaluated: 2022-02-01. Review status: criteria provided, single submitter. Criteria: Ambry Variant Classification Scheme 2023. Collection method: clinical testing. Allele origin: germline.

Labcorp Genetics (formerly Invitae), Labcorp
Classification: Uncertain significance for Methylmalonic acidemia with homocystinuria, type cblJ. Last evaluated: 2021-05-25. Review status: criteria provided, single submitter. Criteria: Invitae Variant Classification Sherloc (09022015). Collection method: clinical testing. Allele origin: germline.
Comment: In summary, the available evidence is currently insufficient to determine the role of this variant in disease. Therefore, it has been classified as a Variant of Uncertain Significance. Algorithms developed to predict the effect of sequence changes on RNA splicing suggest that this variant may create or strengthen a splice site, but this prediction has not been confirmed by published transcriptional studies. Advanced modeling of protein sequence and biophysical properties (such as structural, functional, and spatial information, amino acid conservation, physicochemical variation, residue mobility, and thermodynamic stability) performed at Invitae indicates that this missense variant is not expected to disrupt ABCD4 protein function. This variant has not been reported in the literature in individuals with ABCD4-related conditions. This variant is present in population databases (rs747987460, ExAC 0.02%). This sequence change replaces arginine with glutamine at codon 391 of the ABCD4 protein (p.Arg391Gln). The arginine residue is highly conserved and there is a small physicochemical difference between arginine and glutamine.

NM_005050.4(ABCD4):c.1172G>A (p.Arg391Gln)

Gene: ABCD4 (ATP binding cassette subfamily D member 4; minus strand). Cytogenetic location: 14q24.3.
Variant type: single nucleotide variant.
Coding change: c.1172G>A on transcript NM_005050.4 (MANE Select); coding-DNA position 1172, G replaced by A.
Protein change: p.Arg391Gln; replaces arginine 391 with glutamine.
Molecular consequence: missense variant. On other transcripts: non-coding transcript variant (10).
Genome position (GRCh38, 1-based): chr14:74,290,446, C>T on the plus strand (G>A on the coding strand, the complement: ABCD4 is on the minus strand). VCF-style: chr14-74290446-C-T. GRCh37 (hg19) VCF-style: chr14-74757149-C-T.
Other names: c.1046G>A, p.Arg349Gln (NM_001353591.2, NM_001353592.2); c.911G>A, p.Arg304Gln (NM_001353593.2); c.860G>A, p.Arg287Gln (NM_001353594.2); c.758G>A, p.Arg253Gln (NM_001353595.2, NM_001353596.2); c.707G>A, p.Arg236Gln (NM_001353597.2); c.695G>A, p.Arg232Gln (NM_001353598.2, NM_001353599.2, NM_001353600.2 and 2 more transcripts); c.383G>A, p.Arg128Gln (NM_001353602.2, NM_001353603.2, NM_001353604.2 and 6 more transcripts); c.1172G>A, p.Arg391Gln (NM_020325.3); and 1 more; short protein forms R391Q, R232Q, R349Q, R253Q, R287Q, R128Q, R236Q, R304Q.
Identifiers: ClinVar variation 1378884 (VCV001378884.7), dbSNP rs747987460, ClinGen allele CA7266895.